The following is an entry in ClinVar:

NM_177398.4(LMX1A):c.744G>A (p.Ala248=)

Genes: LMX1A (LIM homeobox transcription factor 1 alpha; minus strand), LMX1A-AS2 (LMX1A antisense RNA 2; plus strand). Cytogenetic location: 1q23.3.
Variant type: single nucleotide variant.
Coding change: c.744G>A on transcript NM_177398.4 (MANE Select); coding-DNA position 744, G replaced by A.
Protein change: p.Ala248=; no amino-acid change (alanine 248 retained).
Molecular consequence: synonymous variant.
Genome position (GRCh38, 1-based): chr1:165,210,702, C>T on the plus strand (G>A on the coding strand, the complement: LMX1A is on the minus strand). VCF-style: chr1-165210702-C-T. GRCh37 (hg19) VCF-style: chr1-165179939-C-T.
Other names: c.744G>A, p.Ala248= (NM_001174069.2).
Identifiers: ClinVar variation 3042090 (VCV003042090.9), dbSNP rs146395249, ClinGen allele CA1219727.

ClinVar aggregate classification (germline): Likely benign. Review status: criteria provided, multiple submitters, no conflicts (2 of 4 stars). 3 submissions from 3 submitters: Likely benign (2). 1 of the submissions does not count toward it. Last evaluated 2025-10-01.

Conditions:
LMX1A-related disorder. Also called: LMX1A-related condition.

Allele frequency attached by ClinVar (database versions not stated): ESP Exome Variant Server 0.00077; ExAC 0.00089; gnomAD 0.00098; 1000 Genomes Project 0.00120; 1000 Genomes Project 30x 0.00125; gnomAD exomes 0.00141.
gnomAD v4.1: 2,189 of 1,612,230 alleles (0.14%); highest among the groups gnomAD compares: Middle Eastern, 0.31%; 3 homozygotes.

Submissions (3):

CeGaT Center for Human Genetics Tuebingen
Classification: Likely benign. Last evaluated: 2025-10-01. Review status: criteria provided, single submitter. Criteria: CeGaT Center For Human Genetics Tuebingen Variant Classification Criteria Version 2. Collection method: clinical testing. Allele origin: germline. Affected: yes. Observed: 1 variant allele.
Comment: LMX1A: BP4, BP7

Blueprint Genetics
Classification: Likely benign. Last evaluated: 2024-11-11. Review status: criteria provided, single submitter. Criteria: ACMG Guidelines, 2015. Collection method: clinical testing. Allele origin: germline.

PreventionGenetics, part of Exact Sciences
Classification: Likely benign for LMX1A-related condition. Last evaluated: 2019-05-13. Review status: no assertion criteria provided. Collection method: clinical testing. Allele origin: germline. Not counted in ClinVar's aggregate classification.
Comment: This variant is classified as likely benign based on ACMG/AMP sequence variant interpretation guidelines (Richards et al. 2015 PMID: 25741868, with internal and published modifications).